The following is an entry in ClinVar:

ClinVar aggregate classification (germline): Pathogenic (1 of 4 stars; one submission).

Conditions:
Hereditary cancer-predisposing syndrome. Also called: Neoplastic Syndromes, Hereditary; Tumor predisposition; Hereditary neoplastic syndrome; Hereditary Cancer Syndrome. Identifiers: Orphanet 140162, MedGen C0027672, MeSH D009386, MONDO:0015356.

Submission:

Ambry Genetics
Classification: Pathogenic for Hereditary cancer-predisposing syndrome. Last evaluated: 2026-07-23. Review status: criteria provided, single submitter. Criteria: Ambry Variant Classification Scheme 2023. Collection method: clinical testing. Allele origin: germline.
Comment: The c.2311delC pathogenic mutation, located in coding exon 15 of the CDH1 gene, results from a deletion of one nucleotide at nucleotide position 2311, causing a translational frameshift with a predicted alternate stop codon (p.Q771Sfs*12). This variant was reported in individual(s) with features consistent with CDH1-related diffuse gastric and lobular breast cancer (DGLBC) (Brooks-Wilson AR et al. J Med Genet, 2004 Jul;41:508-17). Note, this variant is also referred to as 2310delC in the literature. This variant is considered to be rare based on population cohorts in the Genome Aggregation Database (gnomAD). This alteration is expected to result in loss of function by premature protein truncation or nonsense-mediated mRNA decay. As such, this alteration is interpreted as a disease-causing mutation.

Literature cited by the submitters: PubMed 15235021.

NM_004360.5(CDH1):c.2311del (p.Gln771fs)

Gene: CDH1 (cadherin 1; plus strand). Cytogenetic location: 16q22.1.
Variant type: Deletion.
Coding change: c.2311del on transcript NM_004360.5 (MANE Select); coding-DNA position 2311, one base deleted (C; older notation c.2311delC).
Protein change: p.Gln771fs; shifts the reading frame from glutamine 771.
Molecular consequence: frameshift variant.
Genome position (GRCh38, 1-based): chr16:68,829,669, C deleted; the last of 2 consecutive C bases (chr16:68,829,668-68,829,669); deleting either gives the same sequence. VCF-style (leftmost placement, unchanged base first): chr16-68829667-GC-G. GRCh37 (hg19) VCF-style: chr16-68863570-GC-G.
Other names: c.2128del, p.Gln710fs (NM_001317184.2); c.763del, p.Gln255fs (NM_001317185.2); c.346del, p.Gln116fs (NM_001317186.2); short protein forms Q116fs, Q255fs, Q710fs, Q771fs.
Identifiers: ClinVar variation 5034005 (VCV005034005.1).